The following is an entry in ClinVar:

ClinVar aggregate classification (germline): Uncertain significance (1 of 4 stars; one submission).

Conditions:
ZFP57-related disorder. Also called: ZFP57-related condition.

Submission:

PreventionGenetics, part of Exact Sciences
Classification: Uncertain significance for ZFP57-related condition. Last evaluated: 2025-02-21. Review status: criteria provided, single submitter. Criteria: ACMG Guidelines, 2015. Collection method: clinical testing. Allele origin: germline.
Comment: The ZFP57 c.366A>T variant is predicted to result in the amino acid substitution p.Lys122Asn. To our knowledge, this variant has not been reported in the literature or in a large population database (gnomAD), indicating this variant is rare. At this time, the clinical significance of this variant is uncertain due to the absence of conclusive functional and genetic evidence.

NM_001109809.5(ZFP57):c.366A>T (p.Lys122Asn)

Gene: ZFP57 (ZFP57 zinc finger protein; minus strand). Cytogenetic location: 6p22.1.
Variant type: single nucleotide variant.
Coding change: c.366A>T on transcript NM_001109809.5 (MANE Select); coding-DNA position 366, A replaced by T.
Protein change: p.Lys122Asn; replaces lysine 122 with asparagine.
Molecular consequence: missense variant.
Genome position (GRCh38, 1-based): chr6:29,673,745, T>A on the plus strand (A>T on the coding strand, the complement: ZFP57 is on the minus strand). VCF-style: chr6-29673745-T-A. GRCh37 (hg19) VCF-style: chr6-29641522-T-A.
Other names: c.150A>T, p.Lys50Asn (NM_001366333.2); short protein forms K122N, K50N.
Identifiers: ClinVar variation 5000198 (VCV005000198.1).